The following is an entry in ClinVar:

NM_000352.6(ABCC8):c.-8G>T

Gene: ABCC8 (ATP binding cassette subfamily C member 8; minus strand). Cytogenetic location: 11p15.1.
Variant type: single nucleotide variant.
Coding change: c.-8G>T on transcript NM_000352.6 (MANE Select); 8 bases upstream of the start codon, G replaced by T.
Molecular consequence: 5 prime UTR variant. On other transcripts: non-coding transcript variant (1).
Genome position (GRCh38, 1-based): chr11:17,476,784, C>A on the plus strand (G>T on the coding strand, the complement: ABCC8 is on the minus strand). VCF-style: chr11-17476784-C-A. GRCh37 (hg19) VCF-style: chr11-17498331-C-A.
Other names: c.-8G>T (NM_001287174.3, NM_001351295.2, NM_001351296.2 and 1 more transcripts).
Identifiers: ClinVar variation 255928 (VCV000255928.48), dbSNP rs200091822, ClinGen allele CA5904006.

ClinVar aggregate classification (germline): Conflicting classifications of pathogenicity. Review status: criteria provided, conflicting classifications (1 of 4 stars). 8 submissions from 6 submitters: Uncertain significance (3); Benign (3); Likely benign (2). Last evaluated 2026-07-01.

Conditions:
Hyperinsulinemic hypoglycemia, familial, 1 (HHF1). Also called: NESIDIOBLASTOSIS OF PANCREAS; Persistent Hyperinsulinemia Hypoglycemia of Infancy; Persistent hyperinsulinemic hypoglycemia of infancy; HYPERINSULINISM, FAMILIAL, WITH PANCREATIC NESIDIOBLASTOSIS; HYPOGLYCEMIA, HYPERINSULINEMIC, OF INFANCY. Identifiers: Orphanet 276575, Orphanet 276598, MedGen C2931832, MONDO:0009734, OMIM 256450.
Diabetes mellitus, transient neonatal, 2 (TNDM2). Identifiers: Orphanet 99886, MedGen C1835887, MONDO:0012480, OMIM 610374. Disease mechanism: loss of function.
Permanent neonatal diabetes mellitus (PNDM). Identifiers: Orphanet 99885, MedGen C1833104, MONDO:0100164, MONDO:0011643. Disease mechanism: gain of function.

Allele frequency attached by ClinVar (database versions not stated): 1000 Genomes Project 30x 0.00156; 1000 Genomes Project 0.00160; gnomAD exomes 0.00258; ESP Exome Variant Server 0.00259; gnomAD 0.00265 and 0.00270; TOPMed 0.00267; ExAC 0.00270.
gnomAD v4.1: 6,744 of 1,545,004 alleles (0.44%); highest among the groups gnomAD compares: Non-Finnish European, 0.54%; 23 homozygotes.

Submissions (8):

CeGaT Center for Human Genetics Tuebingen
Classification: Benign. Last evaluated: 2026-07-01. Review status: criteria provided, single submitter. Criteria: CeGaT Center For Human Genetics Tuebingen Variant Classification Criteria Version 2. Collection method: clinical testing. Allele origin: germline. Affected: yes. Observed: 8 variant alleles.
Comment: ABCC8: BS1, BS2

GeneDx
Classification: Uncertain significance. Last evaluated: 2022-10-31. Review status: criteria provided, single submitter. Criteria: GeneDx Variant Classification Process June 2021. Collection method: clinical testing. Allele origin: germline. Affected: yes.
Comment: Identified without a second variant in unrelated patients with congenital hyperinsulinism in published literature; however the variant was inherited from an unaffected parent in all cases (Proks et al., 2006; Banerjee et al., 2011); This variant is associated with the following publications: (PMID: 16613899, 33728157, 21378087)

Women's Health and Genetics/Laboratory Corporation of America, LabCorp
Classification: Benign. Last evaluated: 2021-10-12. Review status: criteria provided, single submitter. Criteria: LabCorp Variant Classification Summary - May 2015. Collection method: clinical testing. Allele origin: germline.
Comment: Variant summary: ABCC8 c.-8G>T alters a non-conserved nucleotide located in the untranslated mRNA region upstream of the initiation codon. The variant allele was found at a frequency of 0.0026 in 290940 control chromosomes, including 3 homozygotes (gnomAD v2.1 and gnomAD v3.1 datasets). The variant was found predominantly within the Non-Finnish European subpopulation at a frequency of 0.0046. The observed variant frequency within Non-Finnish European control individuals in the gnomAD database is approximately 1.4 fold of the estimated maximal expected allele frequency for a pathogenic variant in ABCC8 causing Familial Hyperinsulinism phenotype (0.0034), strongly suggesting that the variant is a benign polymorphism found primarily in populations of Non-Finnish European origin. c.-8G>T has been reported in the literature in heterozygous state in individuals affected with neonatal diabetes, congenital hyperinsulinism and adult type 2 diabetes (Proks_2006, Banerjee_2011, Carreira_2021), however, in the reported neonatal/congenital cases, unaffected parents were also noted to carry the variant (Proks_2006, Banerjee_2011). To our knowledge, no experimental evidence demonstrating an impact on protein function has been reported. Three clinical diagnostic laboratories have submitted clinical-significance assessments for this variant to ClinVar after 2014 without evidence for independent evaluation. Based on the evidence outlined above, the variant was classified as benign.

Illumina Laboratory Services, Illumina
Classification: Likely benign for Permanent neonatal diabetes mellitus 1. Last evaluated: 2018-01-12. Review status: criteria provided, single submitter. Criteria: ICSL Variant Classification Criteria 13 December 2019. Collection method: clinical testing. Allele origin: germline.
Comment: This variant was observed in the ICSL laboratory as part of a predisposition screen in an ostensibly healthy population. It had not been previously curated by ICSL or reported in the Human Gene Mutation Database (HGMD: prior to June 1st, 2018), and was therefore a candidate for classification through an automated scoring system. Utilizing variant allele frequency, disease prevalence and penetrance estimates, and inheritance mode, an automated score was calculated to assess if this variant is too frequent to cause the disease. Based on the score and internal cut-off values, a variant classified as likely benign is not then subjected to further curation. The score for this variant resulted in a classification of likely benign for this disease.

Illumina Laboratory Services, Illumina
Classification: Benign for Diabetes mellitus, transient neonatal, 2. Last evaluated: 2018-01-12. Review status: criteria provided, single submitter. Criteria: ICSL Variant Classification Criteria 13 December 2019. Collection method: clinical testing. Allele origin: germline.
Comment: This variant was observed in the ICSL laboratory as part of a predisposition screen in an ostensibly healthy population. It had not been previously curated by ICSL or reported in the Human Gene Mutation Database (HGMD: prior to June 1st, 2018), and was therefore a candidate for classification through an automated scoring system. Utilizing variant allele frequency, disease prevalence and penetrance estimates, and inheritance mode, an automated score was calculated to assess if this variant is too frequent to cause the disease. Based on the score and internal cut-off values, a variant classified as benign is not then subjected to further curation. The score for this variant resulted in a classification of benign for this disease.

Illumina Laboratory Services, Illumina
Classification: Uncertain significance for Hyperinsulinemic hypoglycemia, familial, 1. Last evaluated: 2018-01-12. Review status: criteria provided, single submitter. Criteria: ICSL Variant Classification Criteria 13 December 2019. Collection method: clinical testing. Allele origin: germline.

Genetic Services Laboratory, University of Chicago
Classification: Uncertain significance. Last evaluated: 2015-12-11. Review status: criteria provided, single submitter. Criteria: ACMG Guidelines, 2015. Collection method: clinical testing. Allele origin: germline. Affected: no.

PreventionGenetics, part of Exact Sciences
Classification: Likely benign. Review status: criteria provided, single submitter. Criteria: ACMG Guidelines, 2015. Collection method: clinical testing. Allele origin: germline.

Literature cited by the submitters: PubMed 16613899 (cited by Women's Health and Genetics/Laboratory Corporation of America, LabCorp); PubMed 18767144 (cited by Women's Health and Genetics/Laboratory Corporation of America, LabCorp); PubMed 21378087 (cited by Women's Health and Genetics/Laboratory Corporation of America, LabCorp); PubMed 33728157 (cited by Women's Health and Genetics/Laboratory Corporation of America, LabCorp).